The following is an entry in ClinVar:

NM_206933.4(USH2A):c.950G>A (p.Arg317Gln)

Gene: USH2A (usherin; minus strand). Cytogenetic location: 1q41.
Variant type: single nucleotide variant.
Coding change: c.950G>A on transcript NM_206933.4 (MANE Select); coding-DNA position 950, G replaced by A.
Protein change: p.Arg317Gln; replaces arginine 317 with glutamine.
Molecular consequence: missense variant.
Genome position (GRCh38, 1-based): chr1:216,325,498, C>T on the plus strand (G>A on the coding strand, the complement: USH2A is on the minus strand). VCF-style: chr1-216325498-C-T. GRCh37 (hg19) VCF-style: chr1-216498840-C-T.
Other names: c.950G>A, p.Arg317Gln (NM_007123.6); short protein forms R317Q.
Identifiers: ClinVar variation 295444 (VCV000295444.8), dbSNP rs760741238, ClinGen allele CA1396634.
Genomic context (GRCh38, chr1:216,325,498, plus strand): 5'-GGATTCAACCGTGACACTCTATTATCAGCTGTGTCTCCTGCATCATTAGGAATGCAGTAC[C>T]GCTGTGCCAAAGGGTGGACCCGCGGGTGGCTGCCAGGGCAACGGCAATGTGATTGGGCAT-3'
Protein context (NP_996816.3, residues 307-327): SHPRVHPLAQ[Arg317Gln]YCIPNDAGDT

ClinVar aggregate classification (germline): Uncertain significance. Review status: criteria provided, multiple submitters, no conflicts (2 of 4 stars). 6 submissions from 4 submitters: Uncertain significance (6). Last evaluated 2023-11-04.

Conditions:
Retinitis pigmentosa (RP). Identifiers: Orphanet 791, MedGen C0035334, MeSH D012174, MONDO:0019200, OMIM 268000. Inheritance: Autosomal dominant, autosomal recessive and X linked inheritance.
Retinitis pigmentosa 39 (RP39). Identifiers: Orphanet 791, MedGen C3151138, MONDO:0013436, OMIM 613809.
Usher syndrome type 2A. Also called: RETINAL DISEASE IN USHER SYNDROME TYPE IIA, MODIFIER OF; USHER SYNDROME, TYPE IIA. Identifiers: Orphanet 231178, Orphanet 886, MedGen C1848634, MONDO:0010169, OMIM 276901.

Allele frequency attached by ClinVar (database versions not stated): gnomAD below 0.00001 and 0.00001; TOPMed below 0.00001; ExAC 0.00001; gnomAD exomes 0.00001.
gnomAD v4.1: 9 of 1,613,680 alleles (0.00056%); highest among the groups gnomAD compares: East Asian, 0.0022%; no homozygotes.

Submissions (6):

Genome-Nilou Lab
Classification: Uncertain significance for Retinitis pigmentosa 39. Last evaluated: 2023-11-04. Review status: criteria provided, single submitter. Criteria: ACMG Guidelines, 2015. Collection method: clinical testing. Allele origin: germline. Affected: no.

Genome-Nilou Lab
Classification: Uncertain significance for Usher syndrome type 2A. Last evaluated: 2023-11-04. Review status: criteria provided, single submitter. Criteria: ACMG Guidelines, 2015. Collection method: clinical testing. Allele origin: germline. Affected: no.

Labcorp Genetics (formerly Invitae), Labcorp
Classification: Uncertain significance. Last evaluated: 2021-09-17. Review status: criteria provided, single submitter. Criteria: Invitae Variant Classification Sherloc (09022015). Collection method: clinical testing. Allele origin: germline.
Comment: This sequence change replaces arginine with glutamine at codon 317 of the USH2A protein (p.Arg317Gln). The arginine residue is moderately conserved and there is a small physicochemical difference between arginine and glutamine. This variant is present in population databases (rs760741238, ExAC 0.006%). This variant has not been reported in the literature in individuals with USH2A-related conditions. ClinVar contains an entry for this variant (Variation ID: 295444). Algorithms developed to predict the effect of missense changes on protein structure and function output the following: SIFT: "Tolerated"; PolyPhen-2: "Benign"; Align-GVGD: "Class C0". The glutamine amino acid residue is found in multiple mammalian species, suggesting that this missense change does not adversely affect protein function. These predictions have not been confirmed by published functional studies and their clinical significance is uncertain. In summary, the available evidence is currently insufficient to determine the role of this variant in disease. Therefore, it has been classified as a Variant of Uncertain Significance.

Blueprint Genetics
Classification: Uncertain significance. Last evaluated: 2021-03-01. Review status: criteria provided, single submitter. Criteria: ACMG Guidelines, 2015. Collection method: clinical testing. Allele origin: germline.

Illumina Laboratory Services, Illumina
Classification: Uncertain significance for Usher syndrome type 2A. Last evaluated: 2018-01-13. Review status: criteria provided, single submitter. Criteria: ICSL Variant Classification Criteria 13 December 2019. Collection method: clinical testing. Allele origin: germline.

Illumina Laboratory Services, Illumina
Classification: Uncertain significance for Retinitis pigmentosa. Last evaluated: 2018-01-13. Review status: criteria provided, single submitter. Criteria: ICSL Variant Classification Criteria 13 December 2019. Collection method: clinical testing. Allele origin: germline.